The following is an entry in ClinVar:

NM_001849.4(COL6A2):c.1324G>T (p.Gly442Trp)

Gene: COL6A2 (collagen type VI alpha 2 chain; plus strand). Cytogenetic location: 21q22.3.
Variant type: single nucleotide variant.
Coding change: c.1324G>T on transcript NM_001849.4 (MANE Select); coding-DNA position 1324, G replaced by T.
Protein change: p.Gly442Trp; replaces glycine 442 with tryptophan.
Molecular consequence: missense variant.
Genome position (GRCh38, 1-based): chr21:46,119,842, G>T. VCF-style: chr21-46119842-G-T. GRCh37 (hg19) VCF-style: chr21-47539756-G-T.
Other names: c.1324G>T, p.Gly442Trp (NM_058174.3, NM_058175.3); short protein forms G442W.
Identifiers: ClinVar variation 2747084 (VCV002747084.3), dbSNP rs2517003403, ClinGen allele CA410530478.
Genomic context (GRCh38, chr21:46,119,842, plus strand): 5'-CTGCAGGGGCGCAGGGGAGACCCCGGCACCAAGGGCAGCCCAGGCAGCGATGGCCCCAAG[G>T]GGGAGAAGGTGAGTCCTCGTGTGGAGGCAGCCCAGGGTCTCACTGTGGTGCCCATGGGCC-3'
Protein context (NP_001840.3, residues 432-452): KGSPGSDGPK[Gly442Trp]EKGDPGPEGP

ClinVar aggregate classification (germline): Uncertain significance (1 of 4 stars; one submission).

Conditions:
Bethlem myopathy 1A. Also called: Bethlem myopathy 1; Bethlem Muscular Dystrophy; MYOPATHY, BENIGN CONGENITAL, WITH CONTRACTURES. Identifiers: Orphanet 610, MedGen CN029274, MONDO:0024530, OMIM 158810.

gnomAD v4.1: 1 of 1,559,598 alleles (0.000064%); highest among the groups gnomAD compares: Non-Finnish European, 0.000087%; no homozygotes.

Submission:

Labcorp Genetics (formerly Invitae), Labcorp
Classification: Uncertain significance for Bethlem myopathy 1A. Last evaluated: 2023-06-07. Review status: criteria provided, single submitter. Criteria: Invitae Variant Classification Sherloc (09022015). Collection method: clinical testing. Allele origin: germline.
Comment: Advanced modeling of protein sequence and biophysical properties (such as structural, functional, and spatial information, amino acid conservation, physicochemical variation, residue mobility, and thermodynamic stability) performed at Invitae indicates that this missense variant is expected to disrupt COL6A2 protein function. This variant has not been reported in the literature in individuals affected with COL6A2-related conditions. This variant is not present in population databases (gnomAD no frequency). This sequence change replaces glycine, which is neutral and non-polar, with tryptophan, which is neutral and slightly polar, at codon 442 of the COL6A2 protein (p.Gly442Trp). This variant disrupts the triple helix domain of COL6A2. Glycine residues within the Gly-Xaa-Yaa repeats of the triple helix domain are required for the structure and stability of fibrillar collagens (PMID: 7695699, 8218237, 19344236). In COL6A2, missense variants at these glycine residues are significantly enriched in individuals with autosomal dominant disease (PMID: 15689448, 24038877) compared to the general population (ExAC). In summary, the available evidence is currently insufficient to determine the role of this variant in disease. Therefore, it has been classified as a Variant of Uncertain Significance.

Literature cited by the submitters: PubMed 7695699; PubMed 8218237; PubMed 19344236; PubMed 15689448; PubMed 24038877.